The following is an entry in ClinVar:

ClinVar aggregate classification (germline): Pathogenic (1 of 4 stars; one submission).

Conditions:
Episodic ataxia type 2 (EA2). Also called: CEREBELLAR ATAXIA, PAROXYSMAL, ACETAZOLAMIDE-RESPONSIVE; CEREBELLOPATHY, HEREDITARY PAROXYSMAL; EPISODIC ATAXIA, NYSTAGMUS-ASSOCIATED; ACETAZOLAMIDE-RESPONSIVE HEREDITARY PAROXYSMAL CEREBELLAR ATAXIA; ATAXIA, EPISODIC, WITH NYSTAGMUS; ATAXIA, FAMILIAL PAROXYSMAL. Identifiers: Orphanet 97, MedGen C1720416, MONDO:0007163, OMIM 108500.
Developmental and epileptic encephalopathy, 42 (DEE42A). Also called: Epileptic encephalopathy, early infantile, 42; DEVELOPMENTAL AND EPILEPTIC ENCEPHALOPATHY 42A; EPILEPTIC ENCEPHALOPATHY, EARLY INFANTILE, 42A. Identifiers: MedGen C4310716, MONDO:0014917, OMIM 617106.

Submission:

Labcorp Genetics (formerly Invitae), Labcorp
Classification: Pathogenic for Developmental and epileptic encephalopathy, 42; Episodic ataxia type 2. Last evaluated: 2023-08-30. Review status: criteria provided, single submitter. Criteria: Invitae Variant Classification Sherloc (09022015). Collection method: clinical testing. Allele origin: germline.
Comment: This sequence change creates a premature translational stop signal (p.Glu96*) in the CACNA1A gene. It is expected to result in an absent or disrupted protein product. Loss-of-function variants in CACNA1A are known to be pathogenic (PMID: 10371528, 19486177, 25735478, 27250579). This variant is not present in population databases (gnomAD no frequency). For these reasons, this variant has been classified as Pathogenic. Algorithms developed to predict the effect of sequence changes on RNA splicing suggest that this variant may disrupt the consensus splice site. This variant has not been reported in the literature in individuals affected with CACNA1A-related conditions.

Literature cited by the submitters: PubMed 10371528; PubMed 19486177; PubMed 25735478; PubMed 27250579.

NM_001127222.2(CACNA1A):c.286G>T (p.Glu96Ter)

Gene: CACNA1A (calcium voltage-gated channel subunit alpha1 A; minus strand). Cytogenetic location: 19p13.13.
Variant type: single nucleotide variant.
Coding change: c.286G>T on transcript NM_001127222.2 (MANE Select); coding-DNA position 286, G replaced by T.
Protein change: p.Glu96Ter; replaces glutamic acid 96 with a stop codon.
Molecular consequence: nonsense.
Genome position (GRCh38, 1-based): chr19:13,505,939, C>A on the plus strand (G>T on the coding strand, the complement: CACNA1A is on the minus strand). VCF-style: chr19-13505939-C-A. GRCh37 (hg19) VCF-style: chr19-13616753-C-A.
Other names: c.286G>T, p.Glu96Ter (NM_000068.4, NM_001127221.2, NM_001174080.2 and 1 more transcripts); short protein forms E96*.
Identifiers: ClinVar variation 2951331 (VCV002951331.3), dbSNP rs2513708527, ClinGen allele CA404970791.